The following is an entry in ClinVar:

NM_002519.3(NPAT):c.2723C>T (p.Thr908Ile)

Gene: NPAT (nuclear protein, coactivator of histone transcription; minus strand). Cytogenetic location: 11q22.3.
Variant type: single nucleotide variant.
Coding change: c.2723C>T on transcript NM_002519.3 (MANE Select); coding-DNA position 2723, C replaced by T.
Protein change: p.Thr908Ile; replaces threonine 908 with isoleucine.
Molecular consequence: missense variant.
Genome position (GRCh38, 1-based): chr11:108,172,261, G>A on the plus strand (C>T on the coding strand, the complement: NPAT is on the minus strand). VCF-style: chr11-108172261-G-A. GRCh37 (hg19) VCF-style: chr11-108042988-G-A.
Other names: c.2723C>T, p.Thr908Ile (NM_001321307.1); short protein forms T908I.
Identifiers: ClinVar variation 2562548 (VCV002562548.2), dbSNP rs753278668, ClinGen allele CA6263774.

ClinVar aggregate classification (germline): Uncertain significance (1 of 4 stars; one submission).

Allele frequency attached by ClinVar (database versions not stated): gnomAD exomes below 0.00001; ExAC 0.00001.
gnomAD v4.1: 1 of 1,613,850 alleles (0.000062%); highest among the groups gnomAD compares: Admixed American, 0.0017%; no homozygotes.

Submission:

Ambry Genetics
Classification: Uncertain significance. Last evaluated: 2023-04-28. Review status: criteria provided, single submitter. Criteria: Ambry Variant Classification Scheme 2023. Collection method: clinical testing. Allele origin: germline.
Comment: The p.T908I variant (also known as c.2723C>T), located in coding exon 13 of the NPAT gene, results from a C to T substitution at nucleotide position 2723. The threonine at codon 908 is replaced by isoleucine, an amino acid with similar properties. This amino acid position is conserved. In addition, the in silico prediction for this alteration is inconclusive. Since supporting evidence is limited at this time, the clinical significance of this alteration remains unclear.